The following is an entry in ClinVar:

ClinVar aggregate classification (germline): Uncertain significance (1 of 4 stars; one submission).

Submission:

Labcorp Genetics (formerly Invitae), Labcorp
Classification: Uncertain significance. Last evaluated: 2024-02-20. Review status: criteria provided, single submitter. Criteria: Invitae Variant Classification Sherloc (09022015). Collection method: clinical testing. Allele origin: germline.
Comment: This sequence change replaces arginine, which is basic and polar, with glycine, which is neutral and non-polar, at codon 37 of the RIN2 protein (p.Arg37Gly). This variant is not present in population databases (gnomAD no frequency). This variant has not been reported in the literature in individuals affected with RIN2-related conditions. ClinVar contains an entry for this variant (Variation ID: 1992612). Experimental studies and prediction algorithms are not available or were not evaluated, and the functional significance of this variant is currently unknown. In summary, the available evidence is currently insufficient to determine the role of this variant in disease. Therefore, it has been classified as a Variant of Uncertain Significance.

NM_018993.4(RIN2):c.109C>G (p.Arg37Gly)

Gene: RIN2 (Ras and Rab interactor 2; plus strand). Cytogenetic location: 20p11.23.
Variant type: single nucleotide variant.
Coding change: c.109C>G on transcript NM_018993.4 (MANE Select); coding-DNA position 109, C replaced by G.
Protein change: p.Arg37Gly; replaces arginine 37 with glycine.
Molecular consequence: missense variant. On other transcripts: 5 prime UTR variant (1).
Genome position (GRCh38, 1-based): chr20:19,935,150, C>G. VCF-style: chr20-19935150-C-G. GRCh37 (hg19) VCF-style: chr20-19915794-C-G.
Other names: c.256C>G, p.Arg86Gly (NM_001242581.2); c.-437C>G (NM_001378238.1); short protein forms R37G, R86G.
Identifiers: ClinVar variation 1992612 (VCV001992612.4), dbSNP rs758146356, ClinGen allele CA408486715.
Genomic context (GRCh38, chr20:19,935,150, plus strand): 5'-TTTGAATAGCTCATTGACACAATTGCCTCGGAGATCGGAGAACTGAAACAGGAGATGGTG[C>G]GGACAGATGTCAACCTGGAAAATGGCCTGGAACCCGCTGAAACCCACAGGTGACCAGAGA-3'
Protein context (NP_061866.1, residues 27-47): EIGELKQEMV[Arg37Gly]TDVNLENGLE